The following is an entry in ClinVar:

ClinVar aggregate classification (germline): Uncertain significance (1 of 4 stars; one submission).

Conditions:
Bethlem myopathy 1A. Also called: Bethlem Muscular Dystrophy; MYOPATHY, BENIGN CONGENITAL, WITH CONTRACTURES; Bethlem myopathy 1. Identifiers: Orphanet 610, MedGen CN029274, MONDO:0024530, OMIM 158810.

Allele frequency attached by ClinVar (database versions not stated): gnomAD exomes below 0.00001; TOPMed 0.00003.
gnomAD v4.1: 3 of 1,613,154 alleles (0.00019%); highest among the groups gnomAD compares: Non-Finnish European, 0.00025%; no homozygotes.

Submission:

Labcorp Genetics (formerly Invitae), Labcorp
Classification: Uncertain significance for Bethlem myopathy 1A. Last evaluated: 2024-11-28. Review status: criteria provided, single submitter. Criteria: Invitae Variant Classification Sherloc (09022015). Collection method: clinical testing. Allele origin: germline.
Comment: This sequence change replaces lysine, which is basic and polar, with glutamine, which is neutral and polar, at codon 373 of the COL6A1 protein (p.Lys373Gln). This variant is present in population databases (rs144677931, gnomAD 0.0009%). This variant has not been reported in the literature in individuals affected with COL6A1-related conditions. ClinVar contains an entry for this variant (Variation ID: 1019811). Experimental studies and prediction algorithms are not available or were not evaluated, and the functional significance of this variant is currently unknown. In summary, the available evidence is currently insufficient to determine the role of this variant in disease. Therefore, it has been classified as a Variant of Uncertain Significance.

NM_001848.3(COL6A1):c.1117A>C (p.Lys373Gln)

Gene: COL6A1 (collagen type VI alpha 1 chain; plus strand). Cytogenetic location: 21q22.3.
Variant type: single nucleotide variant.
Coding change: c.1117A>C on transcript NM_001848.3 (MANE Select); coding-DNA position 1117, A replaced by C.
Protein change: p.Lys373Gln; replaces lysine 373 with glutamine.
Molecular consequence: missense variant.
Genome position (GRCh38, 1-based): chr21:45,991,039, A>C. VCF-style: chr21-45991039-A-C. GRCh37 (hg19) VCF-style: chr21-47410953-A-C.
Other names: short protein forms K373Q.
Identifiers: ClinVar variation 1019811 (VCV001019811.7), dbSNP rs144677931, ClinGen allele CA10070084.